The following is an entry in ClinVar:

NM_003265.3(TLR3):c.632A>T (p.Glu211Val)

Gene: TLR3 (toll like receptor 3; plus strand). Cytogenetic location: 4q35.1.
Variant type: single nucleotide variant.
Coding change: c.632A>T on transcript NM_003265.3 (MANE Select); coding-DNA position 632, A replaced by T.
Protein change: p.Glu211Val; replaces glutamic acid 211 with valine.
Molecular consequence: missense variant.
Genome position (GRCh38, 1-based): chr4:186,079,030, A>T. VCF-style: chr4-186079030-A-T. GRCh37 (hg19) VCF-style: chr4-187000184-A-T.
Other names: short protein forms E211V.
Identifiers: ClinVar variation 2907067 (VCV002907067.3), dbSNP rs1341240315, ClinGen allele CA359108492.

ClinVar aggregate classification (germline): Uncertain significance (1 of 4 stars; one submission).

Conditions:
Encephalopathy, acute, infection-induced (herpes-specific), susceptibility to, 1. Also called: Herpes simplex encephalitis, susceptibility to, 1. Identifiers: Orphanet 1930, MedGen C2750180, MONDO:0024563, OMIM 610551.

Allele frequency attached by ClinVar (database versions not stated): gnomAD exomes below 0.00001.
gnomAD v4.1: 6 of 1,612,068 alleles (0.00037%); highest among the groups gnomAD compares: Admixed American, 0.0017%; no homozygotes.

Submission:

Labcorp Genetics (formerly Invitae), Labcorp
Classification: Uncertain significance for Encephalopathy, acute, infection-induced (herpes-specific), susceptibility to, 1. Last evaluated: 2023-04-15. Review status: criteria provided, single submitter. Criteria: Invitae Variant Classification Sherloc (09022015). Collection method: clinical testing. Allele origin: germline.
Comment: In summary, the available evidence is currently insufficient to determine the role of this variant in disease. Therefore, it has been classified as a Variant of Uncertain Significance. Algorithms developed to predict the effect of sequence changes on RNA splicing suggest that this variant may create or strengthen a splice site. An algorithm developed to predict the effect of missense changes on protein structure and function (PolyPhen-2) suggests that this variant is likely to be tolerated. This variant has not been reported in the literature in individuals affected with TLR3-related conditions. This variant is present in population databases (no rsID available, gnomAD 0.003%). This sequence change replaces glutamic acid, which is acidic and polar, with valine, which is neutral and non-polar, at codon 211 of the TLR3 protein (p.Glu211Val).